The following is an entry in ClinVar:

NM_153240.5(NPHP3):c.2749G>A (p.Ala917Thr)

Genes: NPHP3 (nephrocystin 3; minus strand), NPHP3-ACAD11 (NPHP3-ACAD11 readthrough (NMD candidate); minus strand). Cytogenetic location: 3q22.1.
Variant type: single nucleotide variant.
Coding change: c.2749G>A on transcript NM_153240.5 (MANE Select); coding-DNA position 2749, G replaced by A.
Protein change: p.Ala917Thr; replaces alanine 917 with threonine.
Molecular consequence: missense variant. On other transcripts: non-coding transcript variant (1).
Genome position (GRCh38, 1-based): chr3:132,689,208, C>T on the plus strand (G>A on the coding strand, the complement: NPHP3 is on the minus strand). VCF-style: chr3-132689208-C-T. GRCh37 (hg19) VCF-style: chr3-132408052-C-T.
Other names: short protein forms A917T.
Identifiers: ClinVar variation 2056388 (VCV002056388.4), dbSNP rs1443121568, ClinGen allele CA354580561.

ClinVar aggregate classification (germline): Uncertain significance (1 of 4 stars; one submission).

Conditions:
Nephronophthisis. Also called: Juvenile Nephronophthisis. Identifiers: Orphanet 655, MedGen C0687120, MONDO:0019005, HP:0000090.

Submission:

Labcorp Genetics (formerly Invitae), Labcorp
Classification: Uncertain significance for Nephronophthisis. Last evaluated: 2022-10-17. Review status: criteria provided, single submitter. Criteria: Invitae Variant Classification Sherloc (09022015). Collection method: clinical testing. Allele origin: germline.
Comment: This sequence change replaces alanine, which is neutral and non-polar, with threonine, which is neutral and polar, at codon 917 of the NPHP3 protein (p.Ala917Thr). This variant is not present in population databases (gnomAD no frequency). This variant has not been reported in the literature in individuals affected with NPHP3-related conditions. Advanced modeling of protein sequence and biophysical properties (such as structural, functional, and spatial information, amino acid conservation, physicochemical variation, residue mobility, and thermodynamic stability) performed at Invitae indicates that this missense variant is not expected to disrupt NPHP3 protein function. In summary, the available evidence is currently insufficient to determine the role of this variant in disease. Therefore, it has been classified as a Variant of Uncertain Significance.